The following is an entry in ClinVar:

NM_001367479.1(DNAH14):c.3027G>A (p.Trp1009Ter)

Gene: DNAH14 (dynein axonemal heavy chain 14; plus strand). Cytogenetic location: 1q42.12.
Variant type: single nucleotide variant.
Coding change: c.3027G>A on transcript NM_001367479.1 (MANE Select); coding-DNA position 3027, G replaced by A.
Protein change: p.Trp1009Ter; replaces tryptophan 1009 with a stop codon.
Molecular consequence: nonsense.
Genome position (GRCh38, 1-based): chr1:225,080,639, G>A. VCF-style: chr1-225080639-G-A. GRCh37 (hg19) VCF-style: chr1-225268341-G-A.
Other names: short protein forms W1009*.
Identifiers: ClinVar variation 4822225 (VCV004822225.4).
Genomic context (GRCh38, chr1:225,080,639, plus strand): 5'-CTCTGACATTGAAGGTGACTTGACTTTGAGGAAAAAACTATGGGAAGCACAAGAGGAGTG[G>A]AAGCGAGCCTCTTGGGAATGGAGGAATAGTTCTCTTCAAAGTATTGATGTAGAATCAGTA-3'

ClinVar aggregate classification (germline): Uncertain significance (1 of 4 stars; one submission).

gnomAD v4.1: 1 of 1,551,914 alleles (0.000064%); highest among the groups gnomAD compares: Admixed American, 0.002%; no homozygotes.

Submission:

CeGaT Center for Human Genetics Tuebingen
Classification: Uncertain significance. Last evaluated: 2026-01-01. Review status: criteria provided, single submitter. Criteria: CeGaT Center For Human Genetics Tuebingen Variant Classification Criteria Version 2. Collection method: clinical testing. Allele origin: germline. Affected: yes. Observed: 1 variant allele.
Comment: DNAH14: PM2